The following is an entry in ClinVar:

ClinVar aggregate classification (germline): Pathogenic/Likely pathogenic. Review status: criteria provided, multiple submitters, no conflicts (2 of 4 stars). 5 submissions from 5 submitters: Pathogenic (4); Likely pathogenic (1). Last evaluated 2025-04-01.
ClinVar aggregate classification (somatic clinical impact): Tier I - Strong. Review status: criteria provided, single submitter (1 of 4 stars). 2 submissions from 1 submitter. 1 of the submissions does not count toward it. Last evaluated 2023-08-01.

Conditions:
Non-immune hydrops fetalis (NIHF). Also called: Idiopathic hydrops fetalis; Familial non-immune hydrops fetalis; Fetal edema. Identifiers: Orphanet 363999, MedGen C0455988, MONDO:0009369, OMIM 236750, HP:0001790.
Noonan syndrome and Noonan-related syndrome. Identifiers: Orphanet 98733, MedGen C5681679, MONDO:0020297.
Noonan syndrome 1 (NS1). Also called: TURNER PHENOTYPE WITH NORMAL KARYOTYPE; PTPN11-Related Noonan Syndrome; FEMALE PSEUDO-TURNER SYNDROME. Identifiers: Orphanet 648, MedGen C4551602, MONDO:0008104, OMIM 163950. Disease mechanism: gain of function.
Pilocytic astrocytoma. Also called: Pilocytic astrocytoma, somatic. Identifiers: Orphanet 251612, MedGen C0334583, MONDO:0016691, HP:0033680.
Embryonal rhabdomyosarcoma (ERMS). Also called: Botryoid rhabdomyosarcoma (type of ERMS); Spindle cell rhabdomyosarcomas (type of ERMS). Identifiers: Orphanet 99757, MedGen C0206656, MONDO:0009993, HP:0006743.

Submissions (7):

3billion
Classification: Pathogenic for Noonan syndrome 1. Last evaluated: 2025-04-01. Review status: criteria provided, single submitter. Criteria: ACMG Guidelines, 2015. Collection method: clinical testing. Allele origin: germline. Affected: yes.
Comment: The variant is not observed in the gnomAD v4.1.0 dataset. Predicted Consequence/Location:Missense variant. Missense changes are a common disease-causing mechanism. In silico tool predictions suggest damaging effect of the variant on gene or gene product [REVEL: 0.99 (>=0.6, sensitivity 0.68 and specificity 0.92); 3Cnet: 0.99 (> 0.75, sensitivity 0.96 and precision 0.92)]. The same nucleotide change resulting in the same amino acid change has been previously reported as pathogenic/likely pathogenic with strong evidence (ClinVar ID: VCV000265307 / PMID: 18759865). The variant has been observed in at least two similarly affected unrelated individuals (PMID: 18759865, 21465649). Therefore, this variant is classified as Pathogenic according to the recommendation of ACMG/AMP guideline.

Institute for Genomic Medicine (IGM) Clinical Laboratory, Nationwide Children's Hospital
Classification: Tier II - Potential for Pilocytic astrocytoma. Assertion type: diagnostic. Clinical significance: supports diagnosis. Last evaluated: 2024-06-20. Review status: criteria provided, single submitter. Criteria: AMP/ASCO/CAP Guidelines, 2017. Collection method: clinical testing. Allele origin: somatic. Affected: yes. Not counted in ClinVar's aggregate classification.
Comment: Variant has Tier II (potential) clinical significance as a diagnostic inclusion criterion in pilocytic astrocytoma, based on the following evidence: 1) Documented in one or more cancer databases (e.g., St. Jude Pecan, COSMIC, CIViC, OncoKB). 2) Information in the literature supports potential biologic effect of variant (PMIDs: 18223690, 32188694). 3) Diagnostic significance based on multiple small studies (Evidence Level C; PMIDs: 23817572, 28912153, 32164789, 32806529, 30097824).

Institute for Genomic Medicine (IGM) Clinical Laboratory, Nationwide Children's Hospital
Classification: Tier I - Strong for Embryonal rhabdomyosarcoma. Assertion type: diagnostic. Clinical significance: supports diagnosis. Last evaluated: 2023-08-01. Review status: criteria provided, single submitter. Criteria: AMP/ASCO/CAP Guidelines, 2017. Collection method: clinical testing. Allele origin: somatic. Affected: yes.
Comment: Variant has Tier I (strong) clinical significance as a diagnostic inclusion criterion in embryonal rhabdomyosarcoma, based on the following evidence: 1) Documented in one or more cancer databases (e.g., St. Jude Pecan, COSMIC, CIViC, OncoKB). 2) Information in the literature supports potential biologic effect of variant (PMIDs: 18223690, 32188694). 3) Diagnostic for a specific tumor type/classification based on well-powered studies with expert-level consensus (Evidence Level B; PMIDs: 24436047, 34166060, 26138366, 16518851, 19681119, 22142829).

Genomic Medicine Lab, University of California San Francisco
Classification: Pathogenic for Non-immune hydrops fetalis. Last evaluated: 2020-08-20. Review status: criteria provided, single submitter. Criteria: ACMG Guidelines, 2015. Collection method: clinical testing. Allele origin: de novo. Inheritance: Autosomal dominant inheritance. Affected: yes. Study: CSER-P3EGS.

Baylor Genetics
Classification: Pathogenic for Noonan syndrome 1. Last evaluated: 2019-09-26. Review status: criteria provided, single submitter. Criteria: ACMG Guidelines, 2015. Collection method: clinical testing. Allele origin: de novo. Affected: yes.
Comment: This variant was determined to be pathogenic according to ACMG Guidelines, 2015 [PMID:25741868].

Genome Diagnostics Laboratory, The Hospital for Sick Children
Classification: Likely pathogenic for Noonan syndrome and Noonan-related syndrome. Last evaluated: 2019-06-01. Review status: criteria provided, single submitter. Criteria: ACMG Guidelines, 2015. Collection method: clinical testing. Allele origin: germline. Affected: yes.

GeneDx
Classification: Pathogenic. Last evaluated: 2018-10-23. Review status: criteria provided, single submitter. Criteria: GeneDx Variant Classification (06012015). Collection method: clinical testing. Allele origin: germline. Affected: yes.
Comment: The T507K pathogenic variant in the PTPN11 gene has been reported previously in at least two individuals who presented prenatally with features of Noonan syndrome (Lee et al., 2009; Jain Ghai et al., 2011). This variant was not observed in approximately 6500 individuals of European and African American ancestry in the NHLBI Exome Sequencing Project, indicating it is not a common benign variant in these populations. The T507K variant is a semi-conservative amino acid substitution, which may impact secondary protein structure as these residues differ in some properties. This substitution occurs at a position that is conserved across species, and in silico analysis predicts this variant is probably damaging to the protein structure/function. Several missense variants in nearby residues (S502A, S502T, S502L, G503R, G503V, G503E, G503A, M504V, Q506P, Q510E, Q510R, Q510P, Q510H) have been reported in the Human Gene Mutation Database in association with PTPN11-related disorders (Stenson et al., 2014), supporting the functional importance of this region of the protein. We interpret T507K as a pathogenic variant.

Literature cited by the submitters: PubMed 18759865 (cited by 3billion); PubMed 21465649 (cited by 3billion); PubMed 18223690 (cited by Institute for Genomic Medicine (IGM) Clinical Laboratory, Nationwide Children's Hospital); PubMed 32188694 (cited by Institute for Genomic Medicine (IGM) Clinical Laboratory, Nationwide Children's Hospital); PubMed 23817572 (cited by Institute for Genomic Medicine (IGM) Clinical Laboratory, Nationwide Children's Hospital); PubMed 28912153 (cited by Institute for Genomic Medicine (IGM) Clinical Laboratory, Nationwide Children's Hospital); PubMed 32164789 (cited by Institute for Genomic Medicine (IGM) Clinical Laboratory, Nationwide Children's Hospital); PubMed 32806529 (cited by Institute for Genomic Medicine (IGM) Clinical Laboratory, Nationwide Children's Hospital); PubMed 30097824 (cited by Institute for Genomic Medicine (IGM) Clinical Laboratory, Nationwide Children's Hospital); PubMed 24436047 (cited by Institute for Genomic Medicine (IGM) Clinical Laboratory, Nationwide Children's Hospital); PubMed 34166060 (cited by Institute for Genomic Medicine (IGM) Clinical Laboratory, Nationwide Children's Hospital); PubMed 26138366 (cited by Institute for Genomic Medicine (IGM) Clinical Laboratory, Nationwide Children's Hospital); PubMed 16518851 (cited by Institute for Genomic Medicine (IGM) Clinical Laboratory, Nationwide Children's Hospital); PubMed 19681119 (cited by Institute for Genomic Medicine (IGM) Clinical Laboratory, Nationwide Children's Hospital); PubMed 22142829 (cited by Institute for Genomic Medicine (IGM) Clinical Laboratory, Nationwide Children's Hospital).

NM_002834.5(PTPN11):c.1520C>A (p.Thr507Lys)

Gene: PTPN11 (protein tyrosine phosphatase non-receptor type 11; plus strand). Cytogenetic location: 12q24.13.
Variant type: single nucleotide variant.
Coding change: c.1520C>A on transcript NM_002834.5 (MANE Select); coding-DNA position 1520, C replaced by A.
Protein change: p.Thr507Lys; replaces threonine 507 with lysine.
Molecular consequence: missense variant.
Genome position (GRCh38, 1-based): chr12:112,489,096, C>A. VCF-style: chr12-112489096-C-A. GRCh37 (hg19) VCF-style: chr12-112926900-C-A.
Other names: c.1532C>A, p.Thr511Lys (NM_001330437.2); c.1517C>A, p.Thr506Lys (NM_001374625.1); short protein forms T507K, T511K, T506K.
Identifiers: ClinVar variation 265307 (VCV000265307.9), dbSNP rs886039463, ClinGen allele CA10588540.